The following is an entry in ClinVar:

NM_016333.4(SRRM2):c.569A>G (p.Lys190Arg)

Genes: SRRM2 (serine/arginine repetitive matrix 2; plus strand), LOC126862261 (BRD4-independent group 4 enhancer GRCh37_chr16:2807529-2808728; plus strand). Cytogenetic location: 16p13.3.
Variant type: single nucleotide variant.
Coding change: c.569A>G on transcript NM_016333.4 (MANE Select); coding-DNA position 569, A replaced by G.
Protein change: p.Lys190Arg; replaces lysine 190 with arginine.
Molecular consequence: missense variant.
Genome position (GRCh38, 1-based): chr16:2,758,523, A>G. VCF-style: chr16-2758523-A-G. GRCh37 (hg19) VCF-style: chr16-2808524-A-G.
Other names: short protein forms K190R.
Identifiers: ClinVar variation 3369315 (VCV003369315.1).

ClinVar aggregate classification (germline): Uncertain significance (1 of 4 stars; one submission).

Submission:

GeneDx
Classification: Uncertain significance. Last evaluated: 2024-02-14. Review status: criteria provided, single submitter. Criteria: GeneDx Variant Classification Process June 2021. Collection method: clinical testing. Allele origin: germline. Affected: yes.
Comment: Not observed at significant frequency in large population cohorts (gnomAD); In silico analysis supports that this missense variant does not alter protein structure/function; Has not been previously published as pathogenic or benign to our knowledge